The following is an entry in ClinVar:

NM_006031.6(PCNT):c.3617T>G (p.Leu1206Arg)

Gene: PCNT (pericentrin; plus strand). Cytogenetic location: 21q22.3.
Variant type: single nucleotide variant.
Coding change: c.3617T>G on transcript NM_006031.6 (MANE Select); coding-DNA position 3617, T replaced by G.
Protein change: p.Leu1206Arg; replaces leucine 1206 with arginine.
Molecular consequence: missense variant.
Genome position (GRCh38, 1-based): chr21:46,389,208, T>G. VCF-style: chr21-46389208-T-G. GRCh37 (hg19) VCF-style: chr21-47809123-T-G.
Other names: c.3617T>G (NM_006031.5); c.3263T>G, p.Leu1088Arg (NM_001315529.2); short protein forms L1088R, L1206R.
Identifiers: ClinVar variation 1445828 (VCV001445828.5), dbSNP rs1430261995, ClinGen allele CA410575265.

ClinVar aggregate classification (germline): Uncertain significance. Review status: criteria provided, multiple submitters, no conflicts (2 of 4 stars). 2 submissions from 2 submitters: Uncertain significance (2). Last evaluated 2025-12-03.

Conditions:
Inborn genetic diseases. Identifiers: MedGen C0950123, MeSH D030342.

Submissions (2):

Labcorp Genetics (formerly Invitae), Labcorp
Classification: Uncertain significance. Last evaluated: 2025-12-03. Review status: criteria provided, single submitter. Criteria: Invitae Variant Classification Sherloc (09022015). Collection method: clinical testing. Allele origin: germline.
Comment: This sequence change replaces leucine, which is neutral and non-polar, with arginine, which is basic and polar, at codon 1206 of the PCNT protein (p.Leu1206Arg). This variant is not present in population databases (gnomAD no frequency). This variant has not been reported in the literature in individuals affected with PCNT-related conditions. ClinVar contains an entry for this variant (Variation ID: 1445828). An algorithm developed to predict the effect of missense changes on protein structure and function (PolyPhen-2) suggests that this variant is likely to be tolerated. In summary, the available evidence is currently insufficient to determine the role of this variant in disease. Therefore, it has been classified as a Variant of Uncertain Significance.

Ambry Genetics
Classification: Uncertain significance for Inborn genetic diseases. Last evaluated: 2025-08-19. Review status: criteria provided, single submitter. Criteria: Ambry Variant Classification Scheme 2023. Collection method: clinical testing. Allele origin: germline.